The following is an entry in ClinVar:

NM_021738.3(SVIL):c.2803G>A (p.Val935Ile)

Gene: SVIL (supervillin; minus strand). Cytogenetic location: 10p11.23.
Variant type: single nucleotide variant.
Coding change: c.2803G>A on transcript NM_021738.3 (MANE Select); coding-DNA position 2803, G replaced by A.
Protein change: p.Val935Ile; replaces valine 935 with isoleucine.
Molecular consequence: missense variant.
Genome position (GRCh38, 1-based): chr10:29,523,811, C>T on the plus strand (G>A on the coding strand, the complement: SVIL is on the minus strand). VCF-style: chr10-29523811-C-T. GRCh37 (hg19) VCF-style: chr10-29812740-C-T.
Other names: c.1873G>A, p.Val625Ile (NM_001323599.2); c.1621G>A, p.Val541Ile (NM_001323600.1); c.1525G>A, p.Val509Ile (NM_003174.3); c.2803G>A (NM_021738.2); short protein forms V935I, V509I, V625I, V541I.
Identifiers: ClinVar variation 770590 (VCV000770590.6), dbSNP rs61737058, ClinGen allele CA5457081.

ClinVar aggregate classification (germline): Conflicting classifications of pathogenicity. Review status: criteria provided, conflicting classifications (1 of 4 stars). 3 submissions from 3 submitters: Uncertain significance (1); Likely benign (1). 1 of the submissions does not count toward it. Last evaluated 2025-08-07.

Conditions:
SVIL-related disorder. Also called: SVIL-related condition.

Allele frequency attached by ClinVar (database versions not stated): ExAC 0.00036; 1000 Genomes Project 0.00060; 1000 Genomes Project 30x 0.00062; gnomAD 0.00127 and 0.00140; TOPMed 0.00138; ESP Exome Variant Server 0.00161.
gnomAD v4.1: 367 of 1,614,214 alleles (0.023%); highest among the groups gnomAD compares: African/African-American, 0.45%; no homozygotes.

Submissions (3):

Ambry Genetics
Classification: Uncertain significance. Last evaluated: 2025-08-07. Review status: criteria provided, single submitter. Criteria: Ambry Variant Classification Scheme 2023. Collection method: clinical testing. Allele origin: germline.

Labcorp Genetics (formerly Invitae), Labcorp
Classification: Likely benign. Last evaluated: 2018-10-24. Review status: criteria provided, single submitter. Criteria: Invitae Variant Classification Sherloc (09022015). Collection method: clinical testing. Allele origin: germline.

PreventionGenetics, part of Exact Sciences
Classification: Likely benign for SVIL-related condition. Last evaluated: 2023-04-05. Review status: no assertion criteria provided. Collection method: clinical testing. Allele origin: germline. Not counted in ClinVar's aggregate classification.
Comment: This variant is classified as likely benign based on ACMG/AMP sequence variant interpretation guidelines (Richards et al. 2015 PMID: 25741868, with internal and published modifications).